The following is an entry in ClinVar:

NM_000748.3(CHRNB2):c.-37A>C

Genes: CHRNB2 (cholinergic receptor nicotinic beta 2 subunit; plus strand), LOC129931511 (ATAC-STARR-seq lymphoblastoid silent region 1363; plus strand). Cytogenetic location: 1q21.3.
Variant type: single nucleotide variant.
Coding change: c.-37A>C on transcript NM_000748.3 (MANE Select); 37 bases upstream of the start codon, A replaced by C.
Molecular consequence: 5 prime UTR variant.
Genome position (GRCh38, 1-based): chr1:154,568,008, A>C. VCF-style: chr1-154568008-A-C. GRCh37 (hg19) VCF-style: chr1-154540484-A-C.
Identifiers: ClinVar variation 383432 (VCV000383432.1), dbSNP rs1057521624, ClinGen allele CA16603432.
Genomic context (GRCh38, chr1:154,568,008, plus strand): 5'-CGCGGCTTCAGCACCACGGACAGCGCCCCACCCGCGGCCCTCCCCCCGGCGGCGCGCTCC[A>C]GCCGGTGTAGGCGAGGCAGCGAGCTATGCCCGCGGCATGGCCCGGCGCTGCGGCCCCGTG-3'

ClinVar aggregate classification (germline): Likely benign (1 of 4 stars; one submission).

Allele frequency attached by ClinVar (database versions not stated): gnomAD exomes below 0.00001; TOPMed below 0.00001; gnomAD 0.00001.
gnomAD v4.1: 7 of 1,514,486 alleles (0.00046%); highest among the groups gnomAD compares: Non-Finnish European, 0.00062%; no homozygotes.

Submission:

GeneDx
Classification: Likely benign. Last evaluated: 2016-02-11. Review status: criteria provided, single submitter. Criteria: GeneDx Variant Classification (06012015). Collection method: clinical testing. Allele origin: germline. Affected: yes.
Comment: This variant is considered likely benign or benign based on one or more of the following criteria: it is a conservative change, it occurs at a poorly conserved position in the protein, it is predicted to be benign by multiple in silico algorithms, and/or has population frequency not consistent with disease.